The following is an entry in ClinVar:

ClinVar aggregate classification (germline): Uncertain significance. Review status: criteria provided, multiple submitters, no conflicts (2 of 4 stars). 2 submissions from 2 submitters: Uncertain significance (2). Last evaluated 2025-05-05.

Conditions:
Inborn genetic diseases. Identifiers: MedGen C0950123, MeSH D030342.

Allele frequency attached by ClinVar (database versions not stated): gnomAD exomes 0.00007; ESP Exome Variant Server 0.00008; TOPMed 0.00003; gnomAD 0.00005; ExAC 0.00010.
gnomAD v4.1: 116 of 1,613,758 alleles (0.0072%); highest among the groups gnomAD compares: South Asian, 0.034%; no homozygotes.

Submissions (2):

Ambry Genetics
Classification: Uncertain significance for Inborn genetic diseases. Last evaluated: 2025-05-05. Review status: criteria provided, single submitter. Criteria: Ambry Variant Classification Scheme 2023. Collection method: clinical testing. Allele origin: germline.

Labcorp Genetics (formerly Invitae), Labcorp
Classification: Uncertain significance. Last evaluated: 2022-03-11. Review status: criteria provided, single submitter. Criteria: Invitae Variant Classification Sherloc (09022015). Collection method: clinical testing. Allele origin: germline.
Comment: This sequence change replaces arginine, which is basic and polar, with cysteine, which is neutral and slightly polar, at codon 1326 of the CCDC88C protein (p.Arg1326Cys). This variant is present in population databases (rs371122125, gnomAD 0.05%). This variant has not been reported in the literature in individuals affected with CCDC88C-related conditions. Algorithms developed to predict the effect of missense changes on protein structure and function are either unavailable or do not agree on the potential impact of this missense change (SIFT: "Deleterious"; PolyPhen-2: "Probably Damaging"; Align-GVGD: "Class C0"). In summary, the available evidence is currently insufficient to determine the role of this variant in disease. Therefore, it has been classified as a Variant of Uncertain Significance.

NM_001080414.4(CCDC88C):c.3976C>T (p.Arg1326Cys)

Gene: CCDC88C (coiled-coil domain containing 88C; minus strand). Cytogenetic location: 14q32.11.
Variant type: single nucleotide variant.
Coding change: c.3976C>T on transcript NM_001080414.4 (MANE Select); coding-DNA position 3976, C replaced by T.
Protein change: p.Arg1326Cys; replaces arginine 1326 with cysteine.
Molecular consequence: missense variant.
Genome position (GRCh38, 1-based): chr14:91,294,309, G>A on the plus strand (C>T on the coding strand, the complement: CCDC88C is on the minus strand). VCF-style: chr14-91294309-G-A. GRCh37 (hg19) VCF-style: chr14-91760653-G-A.
Other names: c.3976C>T (NM_001080414.3); short protein forms R1326C.
Identifiers: ClinVar variation 2067792 (VCV002067792.3), dbSNP rs371122125, ClinGen allele CA7309143.
Genomic context (GRCh38, chr14:91,294,309, plus strand): 5'-TCAACAGCTGGATCTGGCTCAGGAGGTGATGATTTTCTTCCTCCAAGTTCCCCTTGAGAC[G>A]GGAGAGCAGCTAGAACACAGACCAACAGCGTCTCAGACACCATGTGACCCGGTGTTCCCA-3'
Protein context (NP_001073883.2, residues 1316-1336): KLDNHCELLS[Arg1326Cys]LKGNLEEENH